The following is an entry in ClinVar:

NM_024685.4(BBS10):c.1552C>T (p.Gln518Ter)

Gene: BBS10 (Bardet-Biedl syndrome 10; minus strand). Cytogenetic location: 12q21.2.
Variant type: single nucleotide variant.
Coding change: c.1552C>T on transcript NM_024685.4 (MANE Select); coding-DNA position 1552, C replaced by T.
Protein change: p.Gln518Ter; replaces glutamine 518 with a stop codon.
Molecular consequence: nonsense.
Genome position (GRCh38, 1-based): chr12:76,346,433, G>A on the plus strand (C>T on the coding strand, the complement: BBS10 is on the minus strand). VCF-style: chr12-76346433-G-A. GRCh37 (hg19) VCF-style: chr12-76740213-G-A.
Other names: short protein forms Q518*.
Identifiers: ClinVar variation 863841 (VCV000863841.11), dbSNP rs1951758601, ClinGen allele CA385810926.

ClinVar aggregate classification (germline): Pathogenic. Review status: criteria provided, multiple submitters, no conflicts (2 of 4 stars). 2 submissions from 2 submitters: Pathogenic (2). Last evaluated 2026-03-18.

Conditions:
Bardet-Biedl syndrome 10 (BBS10). Identifiers: Orphanet 110, MedGen C1859568, MONDO:0014438, OMIM 615987.
Bardet-Biedl syndrome (BBS). Identifiers: Orphanet 110, MedGen C0752166, MONDO:0015229.

Submissions (2):

Myriad Genetics, Inc.
Classification: Pathogenic for Bardet-Biedl syndrome 10. Last evaluated: 2026-03-18. Review status: criteria provided, single submitter. Criteria: Myriad Autosomal Dominant, Autosomal Recessive and X-Linked Classification Criteria (2023). Collection method: clinical testing. Allele origin: unknown.
Comment: NM_024685.3(BBS10):c.1552C>T(Q518*) is a nonsense variant classified as pathogenic in the context of Bardet-Biedl syndrome, BBS10-related. Q518* has not been observed in cases with relevant disease. Relevant functional assessments of this variant are not available in the literature. Q518* has not been observed in referenced population frequency databases. In summary, NM_024685.3(BBS10):c.1552C>T(Q518*) is a nonsense variant in a gene where loss of function is a known mechanism of disease and is predicted to disrupt protein function. Please note: this variant was assessed in the context of healthy population screening.

Labcorp Genetics (formerly Invitae), Labcorp
Classification: Pathogenic for Bardet-Biedl syndrome. Last evaluated: 2019-12-22. Review status: criteria provided, single submitter. Criteria: Invitae Variant Classification Sherloc (09022015). Collection method: clinical testing. Allele origin: germline.
Comment: For these reasons, this variant has been classified as Pathogenic. This variant disrupts the C-terminus of the BBS10 protein. Other variant(s) that disrupt this region (p.Val707*) have been determined to be pathogenic (PMID: 25982971, 22773737, 27486776, 20472660). This suggests that variants that disrupt this region of the protein are likely to be causative of disease. This sequence change results in a premature translational stop signal in the BBS10 gene (p.Gln518*). While this is not anticipated to result in nonsense mediated decay, it is expected to disrupt the last 206 amino acids of the BBS10 protein. This variant is not present in population databases (ExAC no frequency). This variant has not been reported in the literature in individuals with BBS10-related conditions.

Literature cited by the submitters: PubMed 25982971 (cited by Labcorp Genetics (formerly Invitae), Labcorp); PubMed 22773737 (cited by Labcorp Genetics (formerly Invitae), Labcorp); PubMed 27486776 (cited by Labcorp Genetics (formerly Invitae), Labcorp); PubMed 20472660 (cited by Labcorp Genetics (formerly Invitae), Labcorp).